The following is an entry in ClinVar:

ClinVar aggregate classification (germline): Uncertain significance. Review status: criteria provided, multiple submitters, no conflicts (2 of 4 stars). 3 submissions from 3 submitters: Uncertain significance (2). 1 of the submissions does not count toward it. Last evaluated 2024-01-13.

Conditions:
Hereditary cancer-predisposing syndrome. Also called: Tumor predisposition; Hereditary Cancer Syndrome; Hereditary neoplastic syndrome; Neoplastic Syndromes, Hereditary. Identifiers: Orphanet 140162, MedGen C0027672, MeSH D009386, MONDO:0015356.
Fanconi anemia complementation group C (FANCC). Also called: Fanconi anemia, group C; FANCC-Related Fanconi Anemia; FANCONI PANCYTOPENIA, TYPE 3; FACC. Identifiers: Orphanet 84, MedGen C3468041, MONDO:0009213, OMIM 227645.
Fanconi anemia (FA). Also called: Fanconi's anemia. Identifiers: Orphanet 84, MedGen C0015625, MeSH D005199, MONDO:0019391.

Submissions (3):

Labcorp Genetics (formerly Invitae), Labcorp
Classification: Uncertain significance for Fanconi anemia. Last evaluated: 2024-01-13. Review status: criteria provided, single submitter. Criteria: Invitae Variant Classification Sherloc (09022015). Collection method: clinical testing. Allele origin: germline.
Comment: This variant, c.1288_1290del, results in the deletion of 1 amino acid(s) of the FANCC protein (p.Tyr430del), but otherwise preserves the integrity of the reading frame. This variant is present in population databases (no rsID available, gnomAD 0.003%). This variant has not been reported in the literature in individuals affected with FANCC-related conditions. ClinVar contains an entry for this variant (Variation ID: 485542). Experimental studies and prediction algorithms are not available or were not evaluated, and the functional significance of this variant is currently unknown. In summary, the available evidence is currently insufficient to determine the role of this variant in disease. Therefore, it has been classified as a Variant of Uncertain Significance.

Ambry Genetics
Classification: Uncertain significance for Hereditary cancer-predisposing syndrome. Last evaluated: 2023-05-17. Review status: criteria provided, single submitter. Criteria: Ambry Variant Classification Scheme 2023. Collection method: clinical testing. Allele origin: germline.
Comment: The c.1288_1290delTAC variant (also known as p.Y430del) is located in coding exon 12 of the FANCC gene. This variant results from an in-frame TAC deletion at nucleotide positions 1288 to 1290. This results in the in-frame deletion of a tyrosine at codon 430. This amino acid position is not well conserved in available vertebrate species. In addition, this alteration is predicted to be deleterious by in silico analysis (Choi Y et al. PLoS ONE. 2012; 7(10):e46688). Since supporting evidence is limited at this time, the clinical significance of this alteration remains unclear.

Natera, Inc.
Classification: Uncertain significance for Fanconi anemia, group C. Last evaluated: 2020-09-16. Review status: no assertion criteria provided. Collection method: clinical testing. Allele origin: germline. Not counted in ClinVar's aggregate classification.

NM_000136.3(FANCC):c.1285TAC[1] (p.Tyr430del)

Genes: FANCC (FA complementation group C; minus strand), AOPEP (aminopeptidase O (putative); plus strand). Cytogenetic location: 9q22.32.
Variant type: Microsatellite.
Coding change: c.1285TAC[1] on transcript NM_000136.3 (MANE Select); one copy of the 3-base unit TAC starting at c.1285; the reference has two copies in a row; one copy, 3 bases deleted.
Protein change: p.Tyr430del; deletes tyrosine 430.
Molecular consequence: inframe deletion.
Genome position (GRCh38, 1-based): chr9:95,111,502-95,111,504, GTA deleted on the plus strand (TAC on the coding strand, the reverse complement: FANCC is on the minus strand); deleting any 3 consecutive bases within chr9:95,111,502-95,111,508 gives the same sequence; the position shown is the placement nearest the transcript's 3' end. VCF-style (leftmost placement, unchanged base first): chr9-95111501-CGTA-C. GRCh37 (hg19) VCF-style: chr9-97873783-CGTA-C.
Other names: c.1285TAC[1], p.Tyr430del (NM_001243743.2, NM_001243744.2); c.1288_1290delTAC (NM_000136.3); short protein forms Y430del.
Identifiers: ClinVar variation 485542 (VCV000485542.12), dbSNP rs1210997135, ClinGen allele CA589580888.
Genomic context (GRCh38, chr9:95,111,501, plus strand): 5'-TGCAGTGGGGCCTGCTACCCACCATAGTCTGTGCTCTCTGCTGCCTCCCATCACGGGGGC[CGTA>C]GTAGAAGGCCAAGAGCCACAGCAGGGCCGTGGGGGGTTCGGCTGCCGACATCAGTAATTG-3'